The following is an entry in ClinVar:

ClinVar aggregate classification (germline): Uncertain significance (1 of 4 stars; one submission).

Submission:

GeneDx
Classification: Uncertain significance. Last evaluated: 2026-02-17. Review status: criteria provided, single submitter. Criteria: GeneDx Variant Classification Process June 2021. Collection method: clinical testing. Allele origin: germline.
Comment: Not observed at significant frequency in large population cohorts (gnomAD); In silico analysis supports that this missense variant has a deleterious effect on protein structure/function; Has not been previously published as pathogenic or benign to our knowledge

NM_014271.4(IL1RAPL1):c.179T>G (p.Ile60Ser)

Gene: IL1RAPL1 (interleukin 1 receptor accessory protein like 1; plus strand). Cytogenetic location: Xp21.3.
Variant type: single nucleotide variant.
Coding change: c.179T>G on transcript NM_014271.4 (MANE Select); coding-DNA position 179, T replaced by G.
Protein change: p.Ile60Ser; replaces isoleucine 60 with serine.
Molecular consequence: missense variant.
Genome position (GRCh38, 1-based): chrX:29,283,034, T>G. VCF-style: chrX-29283034-T-G. GRCh37 (hg19) VCF-style: chrX-29301151-T-G.
Other names: short protein forms I60S.
Identifiers: ClinVar variation 5009606 (VCV005009606.1).